The following is an entry in ClinVar:

NM_176787.5(PIGN):c.11del (p.Phe4fs)

Gene: PIGN (phosphatidylinositol glycan anchor biosynthesis class N; minus strand). Cytogenetic location: 18q21.33.
Variant type: Deletion.
Coding change: c.11del on transcript NM_176787.5 (MANE Select); coding-DNA position 11, one base deleted (T; older notation c.11delT).
Protein change: p.Phe4fs; shifts the reading frame from phenylalanine 4.
Molecular consequence: frameshift variant.
Genome position (GRCh38, 1-based): chr18:62,161,343, A deleted on the plus strand (T on the coding strand, the reverse complement: PIGN is on the minus strand); the first of 2 consecutive A bases (chr18:62,161,343-62,161,344); deleting either gives the same sequence. VCF-style (leftmost placement, unchanged base first): chr18-62161342-GA-G. GRCh37 (hg19) VCF-style: chr18-59828575-GA-G.
Other names: c.11del, p.Phe4fs (NM_012327.6); short protein forms F4fs.
Identifiers: ClinVar variation 2803098 (VCV002803098.3), dbSNP rs2514390721, ClinGen allele CA2739276295.

ClinVar aggregate classification (germline): Pathogenic (1 of 4 stars; one submission).

Conditions:
Multiple congenital anomalies-hypotonia-seizures syndrome 1 (MCAHS1). Also called: PIGN-CDG; Congenital disorder of glycosylation due to PIGN deficiency; GLYCOSYLPHOSPHATIDYLINOSITOL BIOSYNTHESIS DEFECT 3. Identifiers: Orphanet 280633, MedGen C3279775, MONDO:0013563, OMIM 614080.

Submission:

Labcorp Genetics (formerly Invitae), Labcorp
Classification: Pathogenic for Multiple congenital anomalies-hypotonia-seizures syndrome 1. Last evaluated: 2023-04-10. Review status: criteria provided, single submitter. Criteria: Invitae Variant Classification Sherloc (09022015). Collection method: clinical testing. Allele origin: germline.
Comment: For these reasons, this variant has been classified as Pathogenic. This sequence change creates a premature translational stop signal (p.Phe4Serfs*29) in the PIGN gene. It is expected to result in an absent or disrupted protein product. Loss-of-function variants in PIGN are known to be pathogenic (PMID: 24253414, 27038415). This variant is not present in population databases (gnomAD no frequency). This variant has not been reported in the literature in individuals affected with PIGN-related conditions.

Literature cited by the submitters: PubMed 24253414; PubMed 27038415.